The following is an entry in ClinVar:

ClinVar aggregate classification (germline): Uncertain significance. Review status: criteria provided, multiple submitters, no conflicts (2 of 4 stars). 2 submissions from 2 submitters: Uncertain significance (2). Last evaluated 2022-08-30.

Allele frequency attached by ClinVar (database versions not stated): gnomAD 0.00002 and 0.00004; TOPMed 0.00002; gnomAD exomes 0.00016 and 0.00028; ExAC 0.00028.

Submissions (2):

GeneDx
Classification: Uncertain significance. Last evaluated: 2022-08-30. Review status: criteria provided, single submitter. Criteria: GeneDx Variant Classification Process June 2021. Collection method: clinical testing. Allele origin: germline. Affected: yes.
Comment: In silico analysis supports that this missense variant does not alter protein structure/function; Has not been previously published as pathogenic or benign to our knowledge

Labcorp Genetics (formerly Invitae), Labcorp
Classification: Uncertain significance. Last evaluated: 2022-06-20. Review status: criteria provided, single submitter. Criteria: Invitae Variant Classification Sherloc (09022015). Collection method: clinical testing. Allele origin: germline.
Comment: This sequence change replaces glutamic acid, which is acidic and polar, with lysine, which is basic and polar, at codon 123 of the PYROXD1 protein (p.Glu123Lys). This variant is present in population databases (rs763695742, gnomAD 0.2%). This variant has not been reported in the literature in individuals affected with PYROXD1-related conditions. Algorithms developed to predict the effect of missense changes on protein structure and function output the following: SIFT: "Tolerated"; PolyPhen-2: "Benign"; Align-GVGD: "Class C0". The lysine amino acid residue is found in multiple mammalian species, which suggests that this missense change does not adversely affect protein function. In summary, the available evidence is currently insufficient to determine the role of this variant in disease. Therefore, it has been classified as a Variant of Uncertain Significance.

NM_024854.5(PYROXD1):c.367G>A (p.Glu123Lys)

Gene: PYROXD1 (pyridine nucleotide-disulphide oxidoreductase domain 1; plus strand). Cytogenetic location: 12p12.1.
Variant type: single nucleotide variant.
Coding change: c.367G>A on transcript NM_024854.5 (MANE Select); coding-DNA position 367, G replaced by A.
Protein change: p.Glu123Lys; replaces glutamic acid 123 with lysine.
Molecular consequence: missense variant. On other transcripts: 5 prime UTR variant (1).
Genome position (GRCh38, 1-based): chr12:21,449,644, G>A. VCF-style: chr12-21449644-G-A. GRCh37 (hg19) VCF-style: chr12-21602578-G-A.
Other names: c.154G>A, p.Glu52Lys (NM_001350912.2); c.-337G>A (NM_001350913.2); c.367G>A (NM_024854.3); short protein forms E123K, E52K.
Identifiers: ClinVar variation 1404407 (VCV001404407.3), dbSNP rs763695742, ClinGen allele CA6478185.